The following is an entry in ClinVar:

ClinVar aggregate classification (germline): Benign/Likely benign. Review status: criteria provided, multiple submitters, no conflicts (2 of 4 stars). 18 submissions from 16 submitters: Benign (8); Likely benign (7). 3 of the submissions do not count toward it. Last evaluated 2026-06-01.

Conditions:
Arrhythmogenic right ventricular cardiomyopathy (ARVD). Also called: Arrhythmogenic right ventricular dysplasia; Cardiomyopathy, ARVC; Arrhythmogenic cardiomyopathy; Arrhythmogenic Right Ventricular Cardiomyopathy (ARVC). Identifiers: Orphanet 247, MedGen C0349788, MeSH D019571, MONDO:0016587. Disease mechanism: loss of function. Inheritance: Various modes of inheritance.
Arrhythmogenic cardiomyopathy with wooly hair and keratoderma. Also called: Dilated cardiomyopathy with woolly hair and keratoderma; Carvajal syndrome; PALMOPLANTAR KERATODERMA WITH LEFT VENTRICULAR CARDIOMYOPATHY AND WOOLLY HAIR; Arrhythmogenic cardiomyopathy with woolly hair and keratoderma. Identifiers: Orphanet 65282, MedGen C1854063, MONDO:0011581, OMIM 605676.
Arrhythmogenic right ventricular dysplasia 8 (ARVD8). Also called: Arrhythmogenic Right Ventricular Dysplasia/Cardiomyopathy 8; ARRHYTHMOGENIC RIGHT VENTRICULAR DYSPLASIA, FAMILIAL, 8; ARRHYTHMOGENIC RIGHT VENTRICULAR CARDIOMYOPATHY 8. Identifiers: MedGen C1843896, MONDO:0011831, OMIM 607450.
Cardiomyopathy (CMYO). Also called: Cardiomyopathies. Identifiers: Orphanet 167848, MedGen C0878544, MONDO:0004994, HP:0001638. Inheritance: Various modes of inheritance.
Lethal acantholytic epidermolysis bullosa (EBLA). Identifiers: Orphanet 158687, MedGen C1864826, MONDO:0012323, OMIM 609638.
Woolly hair-skin fragility syndrome (WHSF). Identifiers: Orphanet 293165, MedGen C1843292, MONDO:0957307, OMIM 620415.

Allele frequency attached by ClinVar (database versions not stated): gnomAD exomes 0.00069; ExAC 0.00089; gnomAD 0.00246 and 0.00270; 1000 Genomes Project 0.00280; TOPMed 0.00287; 1000 Genomes Project 30x 0.00328; ESP Exome Variant Server 0.00384.
gnomAD v4.1: 726 of 1,614,080 alleles (0.045%); highest among the groups gnomAD compares: African/African-American, 0.85%; 2 homozygotes.

Submissions (19):

CeGaT Center for Human Genetics Tuebingen
Classification: Benign. Last evaluated: 2026-06-01. Review status: criteria provided, single submitter. Criteria: CeGaT Center For Human Genetics Tuebingen Variant Classification Criteria Version 2. Collection method: clinical testing. Allele origin: germline. Affected: yes. Observed: 2 variant alleles.
Comment: DSP: BS1, BS2

Labcorp Genetics (formerly Invitae), Labcorp
Classification: Benign for Arrhythmogenic cardiomyopathy with wooly hair and keratoderma; Arrhythmogenic right ventricular dysplasia 8. Last evaluated: 2026-02-04. Review status: criteria provided, single submitter. Criteria: Invitae Variant Classification Sherloc (09022015). Collection method: clinical testing. Allele origin: germline.

Molecular Diagnostic Laboratory for Inherited Cardiovascular Disease, Montreal Heart Institute
Classification: Likely benign. Last evaluated: 2025-02-17. Review status: criteria provided, single submitter. Criteria: ACMG Guidelines, 2015. Collection method: clinical testing. Allele origin: germline. Affected: no.
Comment: BS1;BP4;BP6

All of Us Research Program, National Institutes of Health
Classification: Benign for Arrhythmogenic cardiomyopathy with wooly hair and keratoderma. Last evaluated: 2024-09-23. Review status: criteria provided, single submitter. Criteria: ACMG Guidelines, 2015. Collection method: clinical testing. Allele origin: germline. Inheritance: Autosomal dominant inheritance. Observed: 231 variant alleles, 231 heterozygotes.
Comment: This study involves interpretation of variants in research participants for the purpose of population health screening. Participant phenotype was not available at the time of variant classification. Additional details can be found in publication PMID: 35346344, PMCID: PMC8962531

Blueprint Genetics
Classification: Likely benign. Last evaluated: 2024-03-05. Review status: criteria provided, single submitter. Criteria: ACMG Guidelines, 2015. Collection method: clinical testing. Allele origin: germline.

CHEO Genetics Diagnostic Laboratory, Children's Hospital of Eastern Ontario
Classification: Benign for Cardiomyopathy. Last evaluated: 2022-11-09. Review status: criteria provided, single submitter. Criteria: ACMG Guidelines, 2015. Collection method: clinical testing. Allele origin: germline.

Color Diagnostics, LLC DBA Color Health
Classification: Benign for Cardiomyopathy. Last evaluated: 2018-04-13. Review status: criteria provided, single submitter. Criteria: ACMG Guidelines, 2015. Collection method: clinical testing. Allele origin: germline.

Illumina Laboratory Services, Illumina
Classification: Likely benign for Arrhythmogenic right ventricular dysplasia 8. Last evaluated: 2018-01-13. Review status: criteria provided, single submitter. Criteria: ICSL Variant Classification Criteria 13 December 2019. Collection method: clinical testing. Allele origin: germline.
Comment: This variant was observed in the ICSL laboratory as part of a predisposition screen in an ostensibly healthy population. It had not been previously curated by ICSL or reported in the Human Gene Mutation Database (HGMD: prior to June 1st, 2018), and was therefore a candidate for classification through an automated scoring system. Utilizing variant allele frequency, disease prevalence and penetrance estimates, and inheritance mode, an automated score was calculated to assess if this variant is too frequent to cause the disease. Based on the score and internal cut-off values, a variant classified as likely benign is not then subjected to further curation. The score for this variant resulted in a classification of likely benign for this disease.

Illumina Laboratory Services, Illumina
Classification: Likely benign for Lethal acantholytic epidermolysis bullosa. Last evaluated: 2018-01-13. Review status: criteria provided, single submitter. Criteria: ICSL Variant Classification Criteria 13 December 2019. Collection method: clinical testing. Allele origin: germline.
Comment: the same text as in the submission from Illumina Laboratory Services, Illumina above.

Illumina Laboratory Services, Illumina
Classification: Likely benign for Arrhythmogenic cardiomyopathy with wooly hair and keratoderma. Last evaluated: 2018-01-13. Review status: criteria provided, single submitter. Criteria: ICSL Variant Classification Criteria 13 December 2019. Collection method: clinical testing. Allele origin: germline.
Comment: the same text as in the submission from Illumina Laboratory Services, Illumina above.

Center for Pediatric Genomic Medicine, Children's Mercy Hospital and Clinics
Classification: Likely benign. Last evaluated: 2016-04-01. Review status: criteria provided, single submitter. Criteria: ACMG Guidelines, 2015. Collection method: clinical testing. Allele origin: germline.
ClinVar note: Converted during submission from Likely Benign to Likely benign.

Genomic Diagnostic Laboratory, Division of Genomic Diagnostics, Children's Hospital of Philadelphia
Classification: Benign for Arrhythmogenic right ventricular cardiomyopathy. Last evaluated: 2015-11-30. Review status: criteria provided, single submitter. Criteria: DGD Variant Analysis Guidelines. Collection method: clinical testing. Allele origin: unknown.

GeneDx
Classification: Benign. Last evaluated: 2014-07-10. Review status: criteria provided, single submitter. Criteria: GeneDx Variant Classification (06012015). Collection method: clinical testing. Allele origin: germline. Affected: yes.
Comment: This variant is considered likely benign or benign based on one or more of the following criteria: it is a conservative change, it occurs at a poorly conserved position in the protein, it is predicted to be benign by multiple in silico algorithms, and/or has population frequency not consistent with disease.

Laboratory for Molecular Medicine, Mass General Brigham Personalized Medicine
Classification: Benign. Last evaluated: 2012-06-06. Review status: criteria provided, single submitter. Criteria: LMM Criteria. Collection method: clinical testing. Allele origin: germline. Observed: 4 variant alleles.
Comment: Thr1381Ser in Exon 23 of DSP: This variant is not expected to have clinical sign ificance because it has been identified in 1.3% (47/3738) of African American ch romosomes from a broad population by the NHLBI Exome Sequencing Project (dbSNP rs77758574).

Breakthrough Genomics
Classification: Likely benign. Review status: criteria provided, single submitter. Criteria: ACMG Guidelines, 2015. Collection method: not provided. Allele origin: germline. Inheritance: Autosomal recessive inheritance. Affected: yes.

Clinical Genetics DNA and cytogenetics Diagnostics Lab, Erasmus MC, Erasmus Medical Center
Classification: Benign. Review status: no assertion criteria provided. Collection method: clinical testing. Allele origin: germline. Affected: yes. Study: VKGL Data-share Consensus. Not counted in ClinVar's aggregate classification.

Clinical Genetics, Academic Medical Center
Classification: Benign. Review status: no assertion criteria provided. Collection method: clinical testing. Allele origin: germline. Affected: yes. Study: VKGL Data-share Consensus. Not counted in ClinVar's aggregate classification.

Diagnostic Laboratory, Department of Genetics, University Medical Center Groningen
Classification: Benign. Review status: no assertion criteria provided. Collection method: clinical testing. Allele origin: germline. Affected: yes. Study: VKGL Data-share Consensus. Not counted in ClinVar's aggregate classification.

Dr. Peter K. Rogan Lab, Western University
No classification provided (evidence only). Condition: Thyroid cancer, nonmedullary, 1. Review status: no classification provided. Collection method: in vitro. Allele origin: not applicable. Functional consequence: retained intron. Not counted in ClinVar's aggregate classification.

NM_004415.4(DSP):c.4141A>T (p.Thr1381Ser)

Gene: DSP (desmoplakin; plus strand). Cytogenetic location: 6p24.3.
Variant type: single nucleotide variant.
Coding change: c.4141A>T on transcript NM_004415.4 (MANE Select); coding-DNA position 4141, A replaced by T.
Protein change: p.Thr1381Ser; replaces threonine 1381 with serine.
Molecular consequence: missense variant. On other transcripts: intron variant (2).
Genome position (GRCh38, 1-based): chr6:7,580,331, A>T. VCF-style: chr6-7580331-A-T. GRCh37 (hg19) VCF-style: chr6-7580564-A-T.
Other names: p.T1381S:ACC>TCC; c.4050+91A>T (NM_001319034.2); c.3582+559A>T (NM_001008844.3); c.4141A>T (NM_004415.3); short protein forms T1381S.
Identifiers: ClinVar variation 44900 (VCV000044900.41), dbSNP rs77758574, ClinGen allele CA004379.